The following is an entry in ClinVar:

NM_005159.5(ACTC1):c.20C>A (p.Thr7Asn)

Genes: ACTC1 (actin alpha cardiac muscle 1; minus strand), GJD2-DT (GJD2 divergent transcript; plus strand). Cytogenetic location: 15q14.
Variant type: single nucleotide variant.
Coding change: c.20C>A on transcript NM_005159.5 (MANE Select); coding-DNA position 20, C replaced by A.
Protein change: p.Thr7Asn; replaces threonine 7 with asparagine.
Molecular consequence: missense variant.
Genome position (GRCh38, 1-based): chr15:34,794,789, G>T on the plus strand (C>A on the coding strand, the complement: ACTC1 is on the minus strand). VCF-style: chr15-34794789-G-T. GRCh37 (hg19) VCF-style: chr15-35086990-G-T.
Other names: c.20C>A, p.Thr7Asn (NM_001406482.1, NM_001406483.1); short protein forms T7N.
Identifiers: ClinVar variation 3071564 (VCV003071564.1), dbSNP rs2504185703, ClinGen allele CA391633450.

ClinVar aggregate classification (germline): Uncertain significance (1 of 4 stars; one submission).

Conditions:
Hypertrophic cardiomyopathy. Also called: HYPERTROPHIC MYOCARDIOPATHY. Identifiers: Orphanet 217569, MedGen C0007194, MeSH D002312, MONDO:0005045, HP:0001639.

Submission:

All of Us Research Program, National Institutes of Health
Classification: Uncertain significance for Hypertrophic cardiomyopathy. Last evaluated: 2023-06-08. Review status: criteria provided, single submitter. Criteria: ACMG Guidelines, 2015. Collection method: clinical testing. Allele origin: germline. Inheritance: Autosomal dominant inheritance. Observed: 1 variant allele, 1 heterozygote.
Comment: This missense variant replaces threonine with asparagine at codon 7 of the ACTC1 protein. Computational prediction suggests that this variant may not impact protein structure and function (internally defined REVEL score threshold <= 0.5, PMID: 27666373). To our knowledge, functional studies have not been reported for this variant. This variant has not been reported in individuals affected with ACTC1-related disorders in the literature. This variant has not been identified in the general population by the Genome Aggregation Database (gnomAD). The available evidence is insufficient to determine the role of this variant in disease conclusively. Therefore, this variant is classified as a Variant of Uncertain Significance.

This study involves interpretation of variants in research participants for the purpose of population health screening. Participant phenotype was not available at the time of variant classification. Additional details can be found in publication PMID: 35346344, PMCID: PMC8962531